The following is an entry in ClinVar:

ClinVar aggregate classification (germline): Likely benign. Review status: criteria provided, multiple submitters, no conflicts (2 of 4 stars). 2 submissions from 2 submitters: Likely benign (2). Last evaluated 2021-04-08.

Conditions:
Dilated cardiomyopathy 1G (CMD1G). Identifiers: Orphanet 154, MedGen C1858763, MONDO:0011400, OMIM 604145.
Autosomal recessive limb-girdle muscular dystrophy type 2J (LGMDR10). Also called: Limb-girdle muscular dystrophy, type 2J; MUSCULAR DYSTROPHY, LIMB-GIRDLE, AUTOSOMAL RECESSIVE 10. Identifiers: Orphanet 140922, MedGen C1837342, MONDO:0012127, OMIM 608807.

Submissions (2):

Labcorp Genetics (formerly Invitae), Labcorp
Classification: Likely benign for Dilated cardiomyopathy 1G; Autosomal recessive limb-girdle muscular dystrophy type 2J. Last evaluated: 2021-04-08. Review status: criteria provided, single submitter. Criteria: Invitae Variant Classification Sherloc (09022015). Collection method: clinical testing. Allele origin: germline.

Laboratory for Molecular Medicine, Mass General Brigham Personalized Medicine
Classification: Likely benign. Last evaluated: 2019-09-13. Review status: criteria provided, single submitter. Criteria: LMM Criteria. Collection method: clinical testing. Allele origin: germline. Observed: 1 variant allele.
Comment: The p.Tyr2125Tyr variant in TTN is classified as likely benign because it does not alter an amino acid residue, it is not located within the splice consensus sequence, and splice prediction algorithms do not predict a newly created splice site. ACMG/AMP Criteria applied: BP4, BP7.

NM_001267550.2(TTN):c.6375C>T (p.Tyr2125=)

Gene: TTN (titin; minus strand). Cytogenetic location: 2q31.2.
Variant type: single nucleotide variant.
Coding change: c.6375C>T on transcript NM_001267550.2 (MANE Select); coding-DNA position 6375, C replaced by T.
Protein change: p.Tyr2125=; no amino-acid change (tyrosine 2125 retained).
Molecular consequence: synonymous variant.
Genome position (GRCh38, 1-based): chr2:178,775,489, G>A on the plus strand (C>T on the coding strand, the complement: TTN is on the minus strand). VCF-style: chr2-178775489-G-A. GRCh37 (hg19) VCF-style: chr2-179640216-G-A.
Other names: c.6375C>T, p.Tyr2125= (NM_001256850.1, NM_133378.4, NM_133379.5); c.6237C>T, p.Tyr2079= (NM_003319.4, NM_133432.3, NM_133437.4).
Identifiers: ClinVar variation 930057 (VCV000930057.12), dbSNP rs2092122331, ClinGen allele CA430280039.